The following is an entry in ClinVar:

NM_000179.3(MSH6):c.2889C>T (p.Gly963=)

Gene: MSH6 (mutS homolog 6; plus strand). Cytogenetic location: 2p16.3.
Variant type: single nucleotide variant.
Coding change: c.2889C>T on transcript NM_000179.3 (MANE Select); coding-DNA position 2889, C replaced by T.
Protein change: p.Gly963=; no amino-acid change (glycine 963 retained).
Molecular consequence: synonymous variant.
Genome position (GRCh38, 1-based): chr2:47,800,872, C>T. VCF-style: chr2-47800872-C-T. GRCh37 (hg19) VCF-style: chr2-48028011-C-T.
Other names: c.2499C>T, p.Gly833= (NM_001281492.2); c.1983C>T, p.Gly661= (NM_001281493.2, NM_001281494.2).
Identifiers: ClinVar variation 455223 (VCV000455223.22), dbSNP rs771726914, ClinGen allele CA069773.

ClinVar aggregate classification (germline): Benign/Likely benign. Review status: criteria provided, multiple submitters, no conflicts (2 of 4 stars). 6 submissions from 6 submitters: Benign (1); Likely benign (4). 1 of the submissions does not count toward it. Last evaluated 2025-12-22.

Conditions:
Hereditary nonpolyposis colorectal neoplasms. Identifiers: MedGen C0009405, MeSH D003123.
Hereditary cancer-predisposing syndrome. Also called: Hereditary neoplastic syndrome; Hereditary Cancer Syndrome; Tumor predisposition; Neoplastic Syndromes, Hereditary. Identifiers: Orphanet 140162, MedGen C0027672, MeSH D009386, MONDO:0015356.
Lynch syndrome 5 (LYNCH5). Also called: Colorectal cancer, hereditary nonpolyposis, type 5; Hereditary non-polyposis colorectal cancer, type 5. Identifiers: Orphanet 144, MedGen C1833477, MONDO:0013710, OMIM 614350. Disease mechanism: loss of function.
Lynch syndrome. Identifiers: Orphanet 144, MedGen C4552100, MONDO:0005835. Disease mechanism: loss of function.
Carcinoma of colon (CRC). Also called: Colon carcinoma; Colonic carcinoma. Identifiers: MedGen C0699790, MONDO:0002032.

Allele frequency attached by ClinVar (database versions not stated): gnomAD exomes 0.00001 and 0.00002; TOPMed 0.00002; ExAC 0.00003.
gnomAD v4.1: 3 of 1,613,258 alleles (0.00019%); highest among the groups gnomAD compares: East Asian, 0.0067%; 1 homozygote.

Submissions (6):

Labcorp Genetics (formerly Invitae), Labcorp
Classification: Likely benign for Hereditary nonpolyposis colorectal neoplasms. Last evaluated: 2025-12-22. Review status: criteria provided, single submitter. Criteria: Invitae Variant Classification Sherloc (09022015). Collection method: clinical testing. Allele origin: germline.

Myriad Genetics, Inc.
Classification: Benign for Lynch syndrome 5. Last evaluated: 2025-01-02. Review status: criteria provided, single submitter. Criteria: Myriad Autosomal Dominant, Autosomal Recessive and X-Linked Classification Criteria (2023). Collection method: clinical testing. Allele origin: unknown.
Comment: This variant is considered benign. This variant is a silent/synonymous amino acid change and it is not expected to impact splicing.

All of Us Research Program, National Institutes of Health
Classification: Likely benign for Lynch syndrome. Last evaluated: 2024-07-20. Review status: criteria provided, single submitter. Criteria: ACMG Guidelines, 2015. Collection method: clinical testing. Allele origin: germline. Inheritance: Autosomal dominant inheritance. Observed: 2 variant alleles, 2 heterozygotes.
Comment: This study involves interpretation of variants in research participants for the purpose of population health screening. Participant phenotype was not available at the time of variant classification. Additional details can be found in publication PMID: 35346344, PMCID: PMC8962531

Color Diagnostics, LLC DBA Color Health
Classification: Likely benign for Hereditary cancer-predisposing syndrome. Last evaluated: 2017-11-07. Review status: criteria provided, single submitter. Criteria: ACMG Guidelines, 2015. Collection method: clinical testing. Allele origin: germline.

Ambry Genetics
Classification: Likely benign for Hereditary cancer-predisposing syndrome. Last evaluated: 2017-02-27. Review status: criteria provided, single submitter. Criteria: Ambry Variant Classification Scheme 2023. Collection method: clinical testing. Allele origin: germline.

Department of Pathology and Laboratory Medicine, Sinai Health System
Classification: Uncertain significance for Carcinoma of colon. Review status: no assertion criteria provided. Collection method: clinical testing. Allele origin: unknown. Affected: yes. Study: The Canadian Open Genetics Repository (COGR). Not counted in ClinVar's aggregate classification.
Comment: The MSH6 p.Gly963= variant was not identified in the literature nor was it identified in the ClinVar, Cosmic, MutDB, UMD-LSDB, Insight Colon Cancer Gene Variant Database, Zhejiang Colon Cancer Database, Mismatch Repair Genes Variant Database, Insight Hereditary Tumors Database, databases. The variant was identified in dbSNP (ID: rs771726914) as NA, database. The variant was identified in control databases in 5 of 244362 chromosomes at a frequency of 0.00002 increasing the likelihood that this may be a low frequency variant in certain populations of origin (Genome Aggregation Consortium Feb 27, 2017). The p.Gly963= variant is not expected to have clinical significance because it does not result in a change of amino acid and is not located in a known consensus splice site. However, 1 of 5 in silico or computational prediction software programs (SpliceSiteFinder, MaxEntScan, NNSPLICE, GeneSplicer, HumanSpliceFinder) predict a greater than 10% difference in splicing; this is not very predictive of pathogenicity. In summary, based on the above information, the clinical significance of this variant cannot be determined with certainty at this time. This variant is classified as uncertain significance.